The following is an entry in ClinVar:

ClinVar aggregate classification (germline): Uncertain significance (1 of 4 stars; one submission).

Submission:

Labcorp Genetics (formerly Invitae), Labcorp
Classification: Uncertain significance. Last evaluated: 2024-11-10. Review status: criteria provided, single submitter. Criteria: Invitae Variant Classification Sherloc (09022015). Collection method: clinical testing. Allele origin: germline.
Comment: This sequence change replaces leucine, which is neutral and non-polar, with isoleucine, which is neutral and non-polar, at codon 26 of the FAT2 protein (p.Leu26Ile). This variant is not present in population databases (gnomAD no frequency). This variant has not been reported in the literature in individuals affected with FAT2-related conditions. An algorithm developed to predict the effect of missense changes on protein structure and function outputs the following: PolyPhen-2: "Benign". The isoleucine amino acid residue is found in multiple mammalian species, which suggests that this missense change does not adversely affect protein function. In summary, the available evidence is currently insufficient to determine the role of this variant in disease. Therefore, it has been classified as a Variant of Uncertain Significance.

NM_001447.3(FAT2):c.76C>A (p.Leu26Ile)

Gene: FAT2 (FAT atypical cadherin 2; minus strand). Cytogenetic location: 5q33.1.
Variant type: single nucleotide variant.
Coding change: c.76C>A on transcript NM_001447.3 (MANE Select); coding-DNA position 76, C replaced by A.
Protein change: p.Leu26Ile; replaces leucine 26 with isoleucine.
Molecular consequence: missense variant.
Genome position (GRCh38, 1-based): chr5:151,568,856, G>T on the plus strand (C>A on the coding strand, the complement: FAT2 is on the minus strand). VCF-style: chr5-151568856-G-T. GRCh37 (hg19) VCF-style: chr5-150948417-G-T.
Other names: short protein forms L26I.
Identifiers: ClinVar variation 3724925 (VCV003724925.2).